The following is an entry in ClinVar:

NM_007317.3(KIF22):c.1361G>A (p.Gly454Glu)

Gene: KIF22 (kinesin family member 22; plus strand). Cytogenetic location: 16p11.2.
Variant type: single nucleotide variant.
Coding change: c.1361G>A on transcript NM_007317.3 (MANE Select); coding-DNA position 1361, G replaced by A.
Protein change: p.Gly454Glu; replaces glycine 454 with glutamic acid.
Molecular consequence: missense variant.
Genome position (GRCh38, 1-based): chr16:29,802,849, G>A. VCF-style: chr16-29802849-G-A. GRCh37 (hg19) VCF-style: chr16-29814170-G-A.
Other names: c.1157G>A, p.Gly386Glu (NM_001256269.2, NM_001256270.1); short protein forms G386E, G454E.
Identifiers: ClinVar variation 4741176 (VCV004741176.1).

ClinVar aggregate classification (germline): Uncertain significance (1 of 4 stars; one submission).

Submission:

Labcorp Genetics (formerly Invitae), Labcorp
Classification: Uncertain significance. Last evaluated: 2025-10-16. Review status: criteria provided, single submitter. Criteria: Invitae Variant Classification Sherloc (09022015). Collection method: clinical testing. Allele origin: germline.
Comment: This sequence change replaces glycine, which is neutral and non-polar, with glutamic acid, which is acidic and polar, at codon 454 of the KIF22 protein (p.Gly454Glu). This variant is not present in population databases (gnomAD no frequency). This variant has not been reported in the literature in individuals affected with KIF22-related conditions. Invitae Evidence Modeling of protein sequence and biophysical properties (such as structural, functional, and spatial information, amino acid conservation, physicochemical variation, residue mobility, and thermodynamic stability) indicates that this missense variant is not expected to disrupt KIF22 protein function with a negative predictive value of 80%. In summary, the available evidence is currently insufficient to determine the role of this variant in disease. Therefore, it has been classified as a Variant of Uncertain Significance.